The following is an entry in ClinVar:

ClinVar aggregate classification (germline): Uncertain significance (1 of 4 stars; one submission).

Allele frequency attached by ClinVar (database versions not stated): gnomAD exomes below 0.00001.
gnomAD v4.1: 1 of 1,597,994 alleles (0.000063%); highest among the groups gnomAD compares: Non-Finnish European, 0.000086%; no homozygotes.

Submission:

CeGaT Center for Human Genetics Tuebingen
Classification: Uncertain significance. Last evaluated: 2023-10-01. Review status: criteria provided, single submitter. Criteria: CeGaT Center For Human Genetics Tuebingen Variant Classification Criteria Version 2. Collection method: clinical testing. Allele origin: germline. Affected: yes. Observed: 1 variant allele.
Comment: TRIM37: PM2

NM_015294.6(TRIM37):c.2689G>A (p.Glu897Lys)

Gene: TRIM37 (tripartite motif containing 37; minus strand). Cytogenetic location: 17q22.
Variant type: single nucleotide variant.
Coding change: c.2689G>A on transcript NM_015294.6 (MANE Select); coding-DNA position 2689, G replaced by A.
Protein change: p.Glu897Lys; replaces glutamic acid 897 with lysine.
Molecular consequence: missense variant. On other transcripts: non-coding transcript variant (2).
Genome position (GRCh38, 1-based): chr17:59,012,334, C>T on the plus strand (G>A on the coding strand, the complement: TRIM37 is on the minus strand). VCF-style: chr17-59012334-C-T. GRCh37 (hg19) VCF-style: chr17-57089695-C-T.
Other names: c.2323G>A, p.Glu775Lys (NM_001320990.3); c.2587G>A, p.Glu863Lys (NM_001353082.2, NM_001320987.3); c.1954G>A, p.Glu652Lys (NM_001353083.2); c.2689G>A, p.Glu897Lys (NM_001353084.2, NM_001005207.5, NM_001320988.3 and 1 more transcripts); c.2227G>A, p.Glu743Lys (NM_001353085.2); c.2638G>A, p.Glu880Lys (NM_001353086.2); short protein forms E652K, E743K, E775K, E863K, E880K, E897K.
Identifiers: ClinVar variation 2647971 (VCV002647971.24), dbSNP rs2035388329, ClinGen allele CA400770256.